The following is an entry in ClinVar:

ClinVar aggregate classification (germline): Pathogenic (1 of 4 stars; one submission).

Conditions:
Duchenne muscular dystrophy (DMD). Also called: MUSCULAR DYSTROPHY, PSEUDOHYPERTROPHIC PROGRESSIVE, DUCHENNE TYPE; Duchenne Muscular Dystrophy (DMD). Identifiers: Orphanet 98896, MedGen C0013264, MONDO:0010679, OMIM 310200.

Submission:

Labcorp Genetics (formerly Invitae), Labcorp
Classification: Pathogenic for Duchenne muscular dystrophy. Last evaluated: 2020-02-07. Review status: criteria provided, single submitter. Criteria: Invitae Variant Classification Sherloc (09022015). Collection method: clinical testing. Allele origin: germline.
Comment: This variant is an out-of-frame deletion of the genomic region encompassing exons 48-54 of the DMD gene. This is expected to create a premature translational stop signal and result in an absent or disrupted protein product. This variant has not been reported in the literature in individuals with DMD-related conditions. Loss-of-function variants in DMD are known to be pathogenic (PMID: 16770791, 25007885). For these reasons, this variant has been classified as Pathogenic.

Literature cited by the submitters: PubMed 16770791; PubMed 25007885.

NC_000023.10:g.(?_31676097)_(31897527_?)del

Gene: DMD (dystrophin; minus strand). Cytogenetic location: Xp21.1.
Variant type: Deletion.
Identifiers: ClinVar variation 1072239 (VCV001072239.1).